The following is an entry in ClinVar:

NM_002471.4(MYH6):c.3154C>T (p.Arg1052Ter)

Gene: MYH6 (myosin heavy chain 6; minus strand). Cytogenetic location: 14q11.2.
Variant type: single nucleotide variant.
Coding change: c.3154C>T on transcript NM_002471.4 (MANE Select); coding-DNA position 3154, C replaced by T.
Protein change: p.Arg1052Ter; replaces arginine 1052 with a stop codon.
Molecular consequence: nonsense.
Genome position (GRCh38, 1-based): chr14:23,393,009, G>A on the plus strand (C>T on the coding strand, the complement: MYH6 is on the minus strand). VCF-style: chr14-23393009-G-A. GRCh37 (hg19) VCF-style: chr14-23862218-G-A.
Other names: short protein forms R1052*.
Identifiers: ClinVar variation 519147 (VCV000519147.41), dbSNP rs532606047, ClinGen allele CA7115290.

ClinVar aggregate classification (germline): Uncertain significance. Review status: criteria provided, multiple submitters, no conflicts (2 of 4 stars). 6 submissions from 6 submitters: Uncertain significance (6). Last evaluated 2025-10-21.

Conditions:
Cardiovascular phenotype. Identifiers: MedGen CN230736.
Hypertrophic cardiomyopathy 14. Identifiers: MedGen C2750467, MONDO:0013197, OMIM 613251.
MYH6-related disorder. Also called: MYH6-Related Disorders; MYH6-related condition.
Sick sinus syndrome 3, susceptibility to (SSS3). Identifiers: Orphanet 166282, MedGen C3279791, MONDO:0013568, OMIM 614090.
Cardiomyopathy (CMYO). Also called: Cardiomyopathies. Identifiers: Orphanet 167848, MedGen C0878544, MONDO:0004994, HP:0001638. Inheritance: Various modes of inheritance.

Allele frequency attached by ClinVar (database versions not stated): ExAC 0.00002; gnomAD 0.00002; TOPMed 0.00002.
gnomAD v4.1: 39 of 1,614,038 alleles (0.0024%); highest among the groups gnomAD compares: Non-Finnish European, 0.0032%; no homozygotes.

Submissions (6):

PreventionGenetics, part of Exact Sciences
Classification: Uncertain significance for MYH6-related condition. Last evaluated: 2025-10-21. Review status: criteria provided, single submitter. Criteria: ACMG Guidelines, 2015. Collection method: clinical testing. Allele origin: germline.
Comment: The MYH6 c.3154C>T variant is predicted to result in premature protein termination (p.Arg1052*). This variant has been reported in an individual with mitral valve prolapse (Supplementary table 2, van Wijngaarden et al. 2020. PubMed ID: 32277046). This variant is reported in 0.0035% of alleles in individuals of European (Non-Finnish) descent in gnomAD and is interpreted as uncertain in ClinVar (Clinvar ID: 519147). Loss-of-function has not been conclusively established as a mechanism for MYH6-related disorders. At this time, the clinical significance of this variant is uncertain due to the absence of conclusive functional and genetic evidence.

Labcorp Genetics (formerly Invitae), Labcorp
Classification: Uncertain significance for Hypertrophic cardiomyopathy 14. Last evaluated: 2024-04-08. Review status: criteria provided, single submitter. Criteria: Invitae Variant Classification Sherloc (09022015). Collection method: clinical testing. Allele origin: germline.
Comment: This sequence change creates a premature translational stop signal (p.Arg1052*) in the MYH6 gene. It is expected to result in an absent or disrupted protein product. However, the current clinical and genetic evidence is not sufficient to establish whether loss-of-function variants in MYH6 cause disease. This variant is present in population databases (rs532606047, gnomAD 0.002%). This premature translational stop signal has been observed in individual(s) with mitral valve prolapse (PMID: 32277046). ClinVar contains an entry for this variant (Variation ID: 519147). In summary, the available evidence is currently insufficient to determine the role of this variant in disease. Therefore, it has been classified as a Variant of Uncertain Significance.

Ambry Genetics
Classification: Uncertain significance for Cardiovascular phenotype. Last evaluated: 2024-03-27. Review status: criteria provided, single submitter. Criteria: Ambry Variant Classification Scheme 2023. Collection method: clinical testing. Allele origin: germline.
Comment: The p.R1052* variant (also known as c.3154C>T), located in coding exon 22 of the MYH6 gene, results from a C to T substitution at nucleotide position 3154. This changes the amino acid from an arginine to a stop codon within coding exon 22. This alteration is expected to result in loss of function by premature protein truncation or nonsense-mediated mRNA decay. However, loss of function of MYH6 has not been clearly established as a mechanism of disease. Based on the available evidence, the clinical significance of this alteration remains unclear.

CeGaT Center for Human Genetics Tuebingen
Classification: Uncertain significance. Last evaluated: 2023-05-01. Review status: criteria provided, single submitter. Criteria: CeGaT Center For Human Genetics Tuebingen Variant Classification Criteria Version 2. Collection method: clinical testing. Allele origin: germline. Affected: yes. Observed: 1 variant allele.

MGZ Medical Genetics Center
Classification: Uncertain significance for Sick sinus syndrome 3, susceptibility to. Last evaluated: 2022-02-24. Review status: criteria provided, single submitter. Criteria: ACMG Guidelines, 2015. Collection method: clinical testing. Allele origin: germline. Affected: yes. Observed: 1 variant allele.
Comment: ACMG criteria applied: PM2_SUP_MOD, PVS1_SUP

CHEO Genetics Diagnostic Laboratory, Children's Hospital of Eastern Ontario
Classification: Uncertain significance for Cardiomyopathy. Last evaluated: 2018-11-28. Review status: criteria provided, single submitter. Criteria: ACMG Guidelines, 2015. Collection method: clinical testing. Allele origin: germline.

Literature cited by the submitters: PubMed 32277046 (cited by Labcorp Genetics (formerly Invitae), Labcorp and Ambry Genetics).